The following is an entry in ClinVar:

NM_007294.4(BRCA1):c.5149T>G (p.Phe1717Val)

Gene: BRCA1 (BRCA1 DNA repair associated; minus strand). Cytogenetic location: 17q21.31.
Variant type: single nucleotide variant.
Coding change: c.5149T>G on transcript NM_007294.4 (MANE Select); coding-DNA position 5149, T replaced by G.
Protein change: p.Phe1717Val; replaces phenylalanine 1717 with valine.
Molecular consequence: missense variant. On other transcripts: non-coding transcript variant (1).
Genome position (GRCh38, 1-based): chr17:43,063,877, A>C on the plus strand (T>G on the coding strand, the complement: BRCA1 is on the minus strand). VCF-style: chr17-43063877-A-C. GRCh37 (hg19) VCF-style: chr17-41215894-A-C.
Other names: c.4936T>G, p.Phe1646Val (NM_001407571.1, NM_001407898.1, NM_001407899.1 and 12 more transcripts); c.5215T>G, p.Phe1739Val (NM_001407581.1, NM_001407582.1); c.5212T>G, p.Phe1738Val (NM_001407583.1, NM_001407585.1, NM_001407587.1 and 1 more transcripts); c.5209T>G, p.Phe1737Val (NM_001407590.1, NM_001407591.1); c.5149T>G, p.Phe1717Val (NM_001407593.1, NM_001407594.1, NM_001407596.1 and 7 more transcripts); c.5146T>G, p.Phe1716Val (NM_001407610.1, NM_001407611.1, NM_001407612.1 and 17 more transcripts); c.5143T>G, p.Phe1715Val (NM_001407627.1, NM_001407628.1, NM_001407629.1 and 14 more transcripts); c.5140T>G, p.Phe1714Val (NM_001407645.1, NM_001407644.1); and 71 more; short protein forms F1670V, F1717V, F613V, F1738V, F1421V, F1563V, F1627V, F1646V.
Identifiers: ClinVar variation 868715 (VCV000868715.3), dbSNP rs2051907296, ClinGen allele CA10591249.

Conditions:
Breast-ovarian cancer, familial, susceptibility to, 1 (BROVCA1). Also called: BRCA1 Hereditary Breast and Ovarian Cancer; OVARIAN CANCER, SUSCEPTIBILITY TO. Identifiers: Orphanet 145, MedGen C2676676, MONDO:0011450, OMIM 604370. Disease mechanism: loss of function.

Submission:

Brotman Baty Institute, University of Washington
No classification provided (evidence only). Condition: Breast-ovarian cancer, familial 1. Review status: no classification provided. Collection method: in vitro. Allele origin: not applicable. Functional consequence: functionally_normal.
ClinVar note: "not provided" was previously submitted as the classification for the variant. However, the classification appeared to be based only on an observation of functional data so it was converted to no classification on 2025-07-30.